The following is an entry in ClinVar:

NM_001282933.2(ZNF341):c.340-2A>G

Gene: ZNF341 (zinc finger protein 341; plus strand). Cytogenetic location: 20q11.22.
Variant type: single nucleotide variant.
Coding change: c.340-2A>G on transcript NM_001282933.2 (MANE Select); the canonical splice acceptor site of the intron before coding-DNA position 340, A replaced by G.
Molecular consequence: splice acceptor variant.
Genome position (GRCh38, 1-based): chr20:33,748,921, A>G. VCF-style: chr20-33748921-A-G. GRCh37 (hg19) VCF-style: chr20-32336727-A-G.
Other names: c.340-2A>G (NM_032819.5); c.70-2A>G (NM_001282935.2).
Identifiers: ClinVar variation 3670269 (VCV003670269.2).

ClinVar aggregate classification (germline): Likely pathogenic (1 of 4 stars; one submission).

Submission:

Labcorp Genetics (formerly Invitae), Labcorp
Classification: Likely pathogenic. Last evaluated: 2024-04-24. Review status: criteria provided, single submitter. Criteria: Invitae Variant Classification Sherloc (09022015). Collection method: clinical testing. Allele origin: germline.
Comment: This sequence change affects an acceptor splice site in intron 3 of the ZNF341 gene. It is expected to disrupt RNA splicing. Variants that disrupt the donor or acceptor splice site typically lead to a loss of protein function (PMID: 16199547), and loss-of-function variants in ZNF341 are known to be pathogenic (PMID: 29907690, 29907691). This variant is not present in population databases (gnomAD no frequency). This variant has not been reported in the literature in individuals affected with ZNF341-related conditions. Algorithms developed to predict the effect of sequence changes on RNA splicing suggest that this variant may disrupt the consensus splice site. In summary, the currently available evidence indicates that the variant is pathogenic, but additional data are needed to prove that conclusively. Therefore, this variant has been classified as Likely Pathogenic.

Literature cited by the submitters: PubMed 16199547; PubMed 29907690; PubMed 29907691.